The following is an entry in ClinVar:

ClinVar aggregate classification (germline): Uncertain significance (1 of 4 stars; one submission).

Conditions:
Hypertrophic cardiomyopathy 26. Also called: Cardiomyopathy, familial hypertrophic, 26. Identifiers: Orphanet 75249, MedGen C4310749, MONDO:0014883, OMIM 617047.
Myofibrillar myopathy 5. Also called: Filaminopathy (type); FILAMINOPATHY, AUTOSOMAL DOMINANT. Identifiers: Orphanet 171445, MedGen C1836050, MONDO:0012289, OMIM 609524.
Distal myopathy with posterior leg and anterior hand involvement. Also called: WILLIAMS DISTAL MYOPATHY. Identifiers: Orphanet 63273, MedGen C3279722, MONDO:0013550, OMIM 614065.

Submission:

Labcorp Genetics (formerly Invitae), Labcorp
Classification: Uncertain significance for Distal myopathy with posterior leg and anterior hand involvement; Myofibrillar myopathy 5; Hypertrophic cardiomyopathy 26. Last evaluated: 2024-07-22. Review status: criteria provided, single submitter. Criteria: Invitae Variant Classification Sherloc (09022015). Collection method: clinical testing. Allele origin: germline.
Comment: This sequence change replaces valine, which is neutral and non-polar, with leucine, which is neutral and non-polar, at codon 468 of the FLNC protein (p.Val468Leu). This variant is not present in population databases (gnomAD no frequency). This variant has not been reported in the literature in individuals affected with FLNC-related conditions. Advanced modeling of protein sequence and biophysical properties (such as structural, functional, and spatial information, amino acid conservation, physicochemical variation, residue mobility, and thermodynamic stability) has been performed at Invitae for this missense variant, however the output from this modeling did not meet the statistical confidence thresholds required to predict the impact of this variant on FLNC protein function. In summary, the available evidence is currently insufficient to determine the role of this variant in disease. Therefore, it has been classified as a Variant of Uncertain Significance.

NM_001458.5(FLNC):c.1402G>T (p.Val468Leu)

Gene: FLNC (filamin C; plus strand). Cytogenetic location: 7q32.1.
Variant type: single nucleotide variant.
Coding change: c.1402G>T on transcript NM_001458.5 (MANE Select); coding-DNA position 1402, G replaced by T.
Protein change: p.Val468Leu; replaces valine 468 with leucine.
Molecular consequence: missense variant.
Genome position (GRCh38, 1-based): chr7:128,838,794, G>T. VCF-style: chr7-128838794-G-T. GRCh37 (hg19) VCF-style: chr7-128478848-G-T.
Other names: c.1402G>T, p.Val468Leu (NM_001127487.2); short protein forms V468L.
Identifiers: ClinVar variation 3763343 (VCV003763343.2).